The following is an entry in ClinVar:

NM_032444.4(SLX4):c.1765G>A (p.Gly589Ser)

Gene: SLX4 (SLX4 structure-specific endonuclease subunit; minus strand). Cytogenetic location: 16p13.3.
Variant type: single nucleotide variant.
Coding change: c.1765G>A on transcript NM_032444.4 (MANE Select); coding-DNA position 1765, G replaced by A.
Protein change: p.Gly589Ser; replaces glycine 589 with serine.
Molecular consequence: missense variant.
Genome position (GRCh38, 1-based): chr16:3,596,312, C>T on the plus strand (G>A on the coding strand, the complement: SLX4 is on the minus strand). VCF-style: chr16-3596312-C-T. GRCh37 (hg19) VCF-style: chr16-3646313-C-T.
Other names: c.1765G>A (NM_032444.2); short protein forms G589S.
Identifiers: ClinVar variation 1518304 (VCV001518304.8), dbSNP rs553750741, ClinGen allele CA276962377.

ClinVar aggregate classification (germline): Conflicting classifications of pathogenicity. Review status: criteria provided, conflicting classifications (1 of 4 stars). 2 submissions from 2 submitters: Uncertain significance (1); Likely benign (1). Last evaluated 2025-06-18.

Conditions:
Inborn genetic diseases. Identifiers: MedGen C0950123, MeSH D030342.
Fanconi anemia (FA). Also called: Fanconi's anemia. Identifiers: Orphanet 84, MedGen C0015625, MeSH D005199, MONDO:0019391.

Allele frequency attached by ClinVar (database versions not stated): gnomAD 0.00001; gnomAD exomes 0.00002; TOPMed 0.00003.
gnomAD v4.1: 24 of 1,578,574 alleles (0.0015%); highest among the groups gnomAD compares: South Asian, 0.0058%; no homozygotes.

Submissions (2):

Ambry Genetics
Classification: Likely benign for Inborn genetic diseases. Last evaluated: 2025-06-18. Review status: criteria provided, single submitter. Criteria: Ambry Variant Classification Scheme 2023. Collection method: clinical testing. Allele origin: germline.

Labcorp Genetics (formerly Invitae), Labcorp
Classification: Uncertain significance for Fanconi anemia. Last evaluated: 2025-06-02. Review status: criteria provided, single submitter. Criteria: Invitae Variant Classification Sherloc (09022015). Collection method: clinical testing. Allele origin: germline.
Comment: This sequence change replaces glycine, which is neutral and non-polar, with serine, which is neutral and polar, at codon 589 of the SLX4 protein (p.Gly589Ser). The frequency data for this variant in the population databases is considered unreliable, as metrics indicate poor data quality at this position in the gnomAD database. This variant has not been reported in the literature in individuals affected with SLX4-related conditions. ClinVar contains an entry for this variant (Variation ID: 1518304). An algorithm developed to predict the effect of missense changes on protein structure and function outputs the following: PolyPhen-2: "Benign". The serine amino acid residue is found in multiple mammalian species, which suggests that this missense change does not adversely affect protein function. In summary, the available evidence is currently insufficient to determine the role of this variant in disease. Therefore, it has been classified as a Variant of Uncertain Significance.